The following is an entry in ClinVar:

NM_014244.5(ADAMTS2):c.1149C>T (p.Thr383=)

Gene: ADAMTS2 (ADAM metallopeptidase with thrombospondin type 1 motif 2; minus strand). Cytogenetic location: 5q35.3.
Variant type: single nucleotide variant.
Coding change: c.1149C>T on transcript NM_014244.5 (MANE Select); coding-DNA position 1149, C replaced by T.
Protein change: p.Thr383=; no amino-acid change (threonine 383 retained).
Molecular consequence: synonymous variant.
Genome position (GRCh38, 1-based): chr5:179,154,903, G>A on the plus strand (C>T on the coding strand, the complement: ADAMTS2 is on the minus strand). VCF-style: chr5-179154903-G-A. GRCh37 (hg19) VCF-style: chr5-178581904-G-A.
Other names: c.1149C>T, p.Thr383= (NM_021599.4).
Identifiers: ClinVar variation 469660 (VCV000469660.60), dbSNP rs199664723, ClinGen allele CA3596019.

ClinVar aggregate classification (germline): Conflicting classifications of pathogenicity. Review status: criteria provided, conflicting classifications (1 of 4 stars). 7 submissions from 7 submitters: Uncertain significance (1); Likely benign (5). 1 of the submissions does not count toward it. Last evaluated 2026-03-23.

Conditions:
ADAMTS2-related disorder. Also called: ADAMTS2-related condition.
Ehlers-Danlos syndrome, dermatosparaxis type. Also called: Ehlers-Danlos syndrome, type VII, autosomal recessive; Dermatosparaxis; EDS VIIC. Identifiers: Orphanet 1901, MedGen C2700425, MONDO:0009161, OMIM 225410.

Allele frequency attached by ClinVar (database versions not stated): ESP Exome Variant Server 0.00015; 1000 Genomes Project 30x 0.00016; TOPMed 0.00016; gnomAD 0.00019; 1000 Genomes Project 0.00020; ExAC 0.00024.
gnomAD v4.1: 437 of 1,613,372 alleles (0.027%); highest among the groups gnomAD compares: East Asian, 0.049%; no homozygotes.

Submissions (7):

Women's Health and Genetics/Laboratory Corporation of America, LabCorp
Classification: Likely benign. Last evaluated: 2026-03-23. Review status: criteria provided, single submitter. Criteria: LabCorp Variant Classification Summary - May 2015. Collection method: clinical testing. Allele origin: germline.

Labcorp Genetics (formerly Invitae), Labcorp
Classification: Likely benign for Ehlers-Danlos syndrome, dermatosparaxis type. Last evaluated: 2026-02-04. Review status: criteria provided, single submitter. Criteria: Invitae Variant Classification Sherloc (09022015). Collection method: clinical testing. Allele origin: germline.

Blueprint Genetics
Classification: Likely benign. Last evaluated: 2024-09-11. Review status: criteria provided, single submitter. Criteria: ACMG Guidelines, 2015. Collection method: clinical testing. Allele origin: germline.

GeneDx
Classification: Likely benign. Last evaluated: 2020-04-20. Review status: criteria provided, single submitter. Criteria: GeneDx Variant Classification Process June 2021. Collection method: clinical testing. Allele origin: germline. Affected: yes.

CeGaT Center for Human Genetics Tuebingen
Classification: Likely benign. Last evaluated: 2020-03-01. Review status: criteria provided, single submitter. Criteria: CeGaT Center For Human Genetics Tuebingen Variant Classification Criteria Version 2. Collection method: clinical testing. Allele origin: germline. Affected: yes. Observed: 1 variant allele.

Illumina Laboratory Services, Illumina
Classification: Uncertain significance for Ehlers-Danlos syndrome, dermatosparaxis type. Last evaluated: 2018-01-13. Review status: criteria provided, single submitter. Criteria: ICSL Variant Classification Criteria 13 December 2019. Collection method: clinical testing. Allele origin: germline.

PreventionGenetics, part of Exact Sciences
Classification: Likely benign for ADAMTS2-related condition. Last evaluated: 2019-04-16. Review status: no assertion criteria provided. Collection method: clinical testing. Allele origin: germline. Not counted in ClinVar's aggregate classification.
Comment: This variant is classified as likely benign based on ACMG/AMP sequence variant interpretation guidelines (Richards et al. 2015 PMID: 25741868, with internal and published modifications).